The following is an entry in ClinVar:

NM_000384.3(APOB):c.11775A>T (p.Glu3925Asp)

Gene: APOB (apolipoprotein B; minus strand). Cytogenetic location: 2p24.1.
Variant type: single nucleotide variant.
Coding change: c.11775A>T on transcript NM_000384.3 (MANE Select); coding-DNA position 11775, A replaced by T.
Protein change: p.Glu3925Asp; replaces glutamic acid 3925 with aspartic acid.
Molecular consequence: missense variant.
Genome position (GRCh38, 1-based): chr2:21,005,093, T>A on the plus strand (A>T on the coding strand, the complement: APOB is on the minus strand). VCF-style: chr2-21005093-T-A. GRCh37 (hg19) VCF-style: chr2-21227965-T-A.
Other names: short protein forms E3925D.
Identifiers: ClinVar variation 5027413 (VCV005027413.1).

ClinVar aggregate classification (germline): Uncertain significance (1 of 4 stars; one submission).

Conditions:
Cardiovascular phenotype. Identifiers: MedGen CN230736.

Submission:

Ambry Genetics
Classification: Uncertain significance for Cardiovascular phenotype. Last evaluated: 2026-07-02. Review status: criteria provided, single submitter. Criteria: Ambry Variant Classification Scheme 2023. Collection method: clinical testing. Allele origin: germline.
Comment: The p.E3925D variant (also known as c.11775A>T), located in coding exon 26 of the APOB gene, results from an A to T substitution at nucleotide position 11775. The glutamic acid at codon 3925 is replaced by aspartic acid, an amino acid with highly similar properties. This amino acid position is conserved. In addition, this alteration is predicted to be tolerated by in silico analysis. Based on the available evidence, the clinical significance of this variant remains unclear.